The following is an entry in ClinVar:

ClinVar aggregate classification (germline): Uncertain significance. Review status: criteria provided, multiple submitters, no conflicts (2 of 4 stars). 2 submissions from 2 submitters: Uncertain significance (2). Last evaluated 2023-07-07.

Conditions:
Desmin-related myofibrillar myopathy (MFM1). Also called: Desminopathy; MYOFIBRILLAR MYOPATHY WITH ARRHYTHMOGENIC RIGHT VENTRICULAR CARDIOMYOPATHY; DESMIN-RELATED MYOPATHY WITH ARRHYTHMOGENIC RIGHT VENTRICULAR CARDIOMYOPATHY; Myofibrillar myopathy 1; Desmin related myopathy (former name); Desmin storage myopathy (former name). Identifiers: Orphanet 363543, Orphanet 98909, MedGen C1832370, MONDO:0011076, OMIM 601419.

Submissions (2):

Labcorp Genetics (formerly Invitae), Labcorp
Classification: Uncertain significance for Desmin-related myofibrillar myopathy. Last evaluated: 2023-07-07. Review status: criteria provided, single submitter. Criteria: Invitae Variant Classification Sherloc (09022015). Collection method: clinical testing. Allele origin: germline.
Comment: Advanced modeling of protein sequence and biophysical properties (such as structural, functional, and spatial information, amino acid conservation, physicochemical variation, residue mobility, and thermodynamic stability) performed at Invitae indicates that this missense variant is expected to disrupt DES protein function. In summary, the available evidence is currently insufficient to determine the role of this variant in disease. Therefore, it has been classified as a Variant of Uncertain Significance. Algorithms developed to predict the effect of sequence changes on RNA splicing suggest that this variant may disrupt the consensus splice site. ClinVar contains an entry for this variant (Variation ID: 228549). This missense change has been observed in individual(s) with dilated cardiomyopathy or left ventricular noncompaction (PMID: 25163546, 32746448, 33500567). This variant is not present in population databases (gnomAD no frequency). This sequence change replaces valine, which is neutral and non-polar, with leucine, which is neutral and non-polar, at codon 126 of the DES protein (p.Val126Leu).

Laboratory for Molecular Medicine, Mass General Brigham Personalized Medicine
Classification: Uncertain significance. Last evaluated: 2015-10-22. Review status: criteria provided, single submitter. Criteria: LMM Criteria. Collection method: clinical testing. Allele origin: germline. Observed: 2 variant alleles.
Comment: The p.Val126Leu variant in DES has not been previously reported in individuals w ith cardiomyopathy. Data from large population studies is insufficient to assess the frequency of this variant. Computational prediction tools and conservation analysis suggest that the p.Val126Leu variant may impact the protein, though thi s information is not predictive enough to determine pathogenicity. In summary, t he clinical significance of the p.Val126Leu variant is uncertain.

Literature cited by the submitters: PubMed 25163546 (cited by Labcorp Genetics (formerly Invitae), Labcorp); PubMed 32746448 (cited by Labcorp Genetics (formerly Invitae), Labcorp); PubMed 33500567 (cited by Labcorp Genetics (formerly Invitae), Labcorp).

NM_001927.4(DES):c.376G>T (p.Val126Leu)

Gene: DES (desmin; plus strand). Cytogenetic location: 2q35.
Variant type: single nucleotide variant.
Coding change: c.376G>T on transcript NM_001927.4 (MANE Select); coding-DNA position 376, G replaced by T.
Protein change: p.Val126Leu; replaces valine 126 with leucine.
Molecular consequence: missense variant.
Genome position (GRCh38, 1-based): chr2:219,418,838, G>T. VCF-style: chr2-219418838-G-T. GRCh37 (hg19) VCF-style: chr2-220283560-G-T.
Other names: short protein forms V126L.
Identifiers: ClinVar variation 228549 (VCV000228549.11), dbSNP rs876657770, ClinGen allele CA10576589.